The following is an entry in ClinVar:

NM_006648.4(WNK2):c.4933A>G (p.Thr1645Ala)

Gene: WNK2 (WNK lysine deficient protein kinase 2; plus strand). Cytogenetic location: 9q22.31.
Variant type: single nucleotide variant.
Coding change: c.4933A>G on transcript NM_006648.4 (MANE Select); coding-DNA position 4933, A replaced by G.
Protein change: p.Thr1645Ala; replaces threonine 1645 with alanine.
Molecular consequence: missense variant.
Genome position (GRCh38, 1-based): chr9:93,290,044, A>G. VCF-style: chr9-93290044-A-G. GRCh37 (hg19) VCF-style: chr9-96052326-A-G.
Other names: c.5044A>G, p.Thr1682Ala (NM_001282394.3); short protein forms T1682A, T1645A.
Identifiers: ClinVar variation 3981747 (VCV003981747.1).

ClinVar aggregate classification (germline): Uncertain significance (1 of 4 stars; one submission).

gnomAD v4.1: 3 of 1,567,058 alleles (0.00019%); no homozygotes.

Submission:

Ambry Genetics
Classification: Uncertain significance. Last evaluated: 2025-03-28. Review status: criteria provided, single submitter. Criteria: Ambry Variant Classification Scheme 2023. Collection method: clinical testing. Allele origin: germline.
Comment: The p.T1645A variant (also known as c.4933A>G), located in coding exon 20 of the WNK2 gene, results from an A to G substitution at nucleotide position 4933. The threonine at codon 1645 is replaced by alanine, an amino acid with similar properties. This amino acid position is conserved. In addition, this alteration is predicted to be tolerated by in silico analysis. Based on the available evidence, the clinical significance of this variant remains unclear.